The following is an entry in ClinVar:

NM_013372.7(GREM1):c.76A>C (p.Lys26Gln)

Gene: GREM1 (gremlin 1, DAN family BMP antagonist; plus strand). Cytogenetic location: 15q13.3.
Variant type: single nucleotide variant.
Coding change: c.76A>C on transcript NM_013372.7 (MANE Select); coding-DNA position 76, A replaced by C.
Protein change: p.Lys26Gln; replaces lysine 26 with glutamine.
Molecular consequence: missense variant. On other transcripts: intron variant (1).
Genome position (GRCh38, 1-based): chr15:32,730,766, A>C. VCF-style: chr15-32730766-A-C. GRCh37 (hg19) VCF-style: chr15-33022967-A-C.
Other names: c.76A>C, p.Lys26Gln (NM_001191323.2, NM_001368719.1); c.27+49A>C (NM_001191322.2); short protein forms K26Q.
Identifiers: ClinVar variation 1760192 (VCV001760192.3), dbSNP rs1194984931, ClinGen allele CA391557130.

ClinVar aggregate classification (germline): Uncertain significance (1 of 4 stars; one submission).

Conditions:
Hereditary cancer-predisposing syndrome. Also called: Neoplastic Syndromes, Hereditary; Tumor predisposition; Hereditary Cancer Syndrome; Hereditary neoplastic syndrome. Identifiers: Orphanet 140162, MedGen C0027672, MeSH D009386, MONDO:0015356.

Allele frequency attached by ClinVar (database versions not stated): gnomAD exomes below 0.00001; TOPMed 0.00002.
gnomAD v4.1: 1 of 1,612,418 alleles (0.000062%); highest among the groups gnomAD compares: African/African-American, 0.0013%; no homozygotes.

Submission:

Ambry Genetics
Classification: Uncertain significance for Hereditary cancer-predisposing syndrome. Last evaluated: 2024-03-30. Review status: criteria provided, single submitter. Criteria: Ambry Variant Classification Scheme 2023. Collection method: clinical testing. Allele origin: germline.
Comment: The p.K26Q variant (also known as c.76A>C), located in coding exon 1 of the GREM1 gene, results from an A to C substitution at nucleotide position 76. The lysine at codon 26 is replaced by glutamine, an amino acid with similar properties. This amino acid position is conserved. In addition, this alteration is predicted to be tolerated by in silico analysis. Since supporting evidence is limited at this time, the clinical significance of this alteration remains unclear.